The following is an entry in ClinVar:

NM_024301.5(FKRP):c.673C>A (p.Gln225Lys)

Gene: FKRP (fukutin related protein; plus strand). Cytogenetic location: 19q13.32.
Variant type: single nucleotide variant.
Coding change: c.673C>A on transcript NM_024301.5 (MANE Select); coding-DNA position 673, C replaced by A.
Protein change: p.Gln225Lys; replaces glutamine 225 with lysine.
Molecular consequence: missense variant.
Genome position (GRCh38, 1-based): chr19:46,756,123, C>A. VCF-style: chr19-46756123-C-A. GRCh37 (hg19) VCF-style: chr19-47259380-C-A.
Other names: c.673C>A, p.Gln225Lys (NM_001039885.3); c.673C>A (NM_024301.4); short protein forms Q225K.
Identifiers: ClinVar variation 1461315 (VCV001461315.4), dbSNP rs1217634545, ClinGen allele CA406495781.

ClinVar aggregate classification (germline): Uncertain significance. Review status: criteria provided, multiple submitters, no conflicts (2 of 4 stars). 2 submissions from 2 submitters: Uncertain significance (2). Last evaluated 2024-08-19.

Conditions:
Cardiovascular phenotype. Identifiers: MedGen CN230736.
Walker-Warburg congenital muscular dystrophy. Also called: Muscular dystrophy-dystroglycanopathy, type A; Walker-Warburg syndrome. Identifiers: Orphanet 899, MedGen C0265221, MONDO:0000171.

Allele frequency attached by ClinVar (database versions not stated): TOPMed below 0.00001.

Submissions (2):

Ambry Genetics
Classification: Uncertain significance for Cardiovascular phenotype. Last evaluated: 2024-08-19. Review status: criteria provided, single submitter. Criteria: Ambry Variant Classification Scheme 2023. Collection method: clinical testing. Allele origin: germline.
Comment: The p.Q225K variant (also known as c.673C>A), located in coding exon 1 of the FKRP gene, results from a C to A substitution at nucleotide position 673. The glutamine at codon 225 is replaced by lysine, an amino acid with similar properties. This amino acid position is conserved. In addition, this alteration is predicted to be deleterious by in silico analysis. Based on the available evidence, the clinical significance of this variant remains unclear.

Labcorp Genetics (formerly Invitae), Labcorp
Classification: Uncertain significance for Walker-Warburg congenital muscular dystrophy. Last evaluated: 2022-08-22. Review status: criteria provided, single submitter. Criteria: Invitae Variant Classification Sherloc (09022015). Collection method: clinical testing. Allele origin: germline.
Comment: This sequence change replaces glutamine, which is neutral and polar, with lysine, which is basic and polar, at codon 225 of the FKRP protein (p.Gln225Lys). This variant is not present in population databases (gnomAD no frequency). This variant has not been reported in the literature in individuals affected with FKRP-related conditions. ClinVar contains an entry for this variant (Variation ID: 1461315). Algorithms developed to predict the effect of missense changes on protein structure and function (SIFT, PolyPhen-2, Align-GVGD) all suggest that this variant is likely to be disruptive. In summary, the available evidence is currently insufficient to determine the role of this variant in disease. Therefore, it has been classified as a Variant of Uncertain Significance.